The following is an entry in ClinVar:

ClinVar aggregate classification (germline): Likely benign. Review status: criteria provided, multiple submitters, no conflicts (2 of 4 stars). 2 submissions from 2 submitters: Likely benign (2). Last evaluated 2026-01-01.

gnomAD v4.1: 1 of 1,560,100 alleles (0.000064%); highest among the groups gnomAD compares: Non-Finnish European, 0.000087%; no homozygotes.

Submissions (2):

CeGaT Center for Human Genetics Tuebingen
Classification: Likely benign. Last evaluated: 2026-01-01. Review status: criteria provided, single submitter. Criteria: CeGaT Center For Human Genetics Tuebingen Variant Classification Criteria Version 2. Collection method: clinical testing. Allele origin: germline. Affected: yes. Observed: 1 variant allele.
Comment: CDH23: BP4, BP7

Labcorp Genetics (formerly Invitae), Labcorp
Classification: Likely benign. Last evaluated: 2021-02-15. Review status: criteria provided, single submitter. Criteria: Invitae Variant Classification Sherloc (09022015). Collection method: clinical testing. Allele origin: germline.

NM_022124.6(CDH23):c.3405G>T (p.Gly1135=)

Genes: C10orf105 (chromosome 10 open reading frame 105; minus strand), CDH23 (cadherin related 23; plus strand). Cytogenetic location: 10q22.1.
Variant type: single nucleotide variant.
Coding change: c.3405G>T on transcript NM_022124.6 (MANE Select); coding-DNA position 3405, G replaced by T.
Protein change: p.Gly1135=; no amino-acid change (glycine 1135 retained).
Molecular consequence: synonymous variant. On other transcripts: intron variant (1).
Genome position (GRCh38, 1-based): chr10:71,724,080, G>T. VCF-style: chr10-71724080-G-T. GRCh37 (hg19) VCF-style: chr10-73483837-G-T.
Other names: c.3405G>T, p.Gly1135= (NM_001171930.2); c.-5-7738C>A (NM_001168390.2).
Identifiers: ClinVar variation 1633403 (VCV001633403.12), dbSNP rs1232776970, ClinGen allele CA470066059.